The following is an entry in ClinVar:

ClinVar aggregate classification (germline): Uncertain significance (1 of 4 stars; one submission).

Conditions:
Ehlers-Danlos syndrome, classic type, 1 (EDSCL1). Also called: EHLERS-DANLOS SYNDROME, GRAVIS TYPE; EHLERS-DANLOS SYNDROME, SEVERE CLASSIC TYPE; Ehlers-Danlos syndrome, type 1; Ehlers-Danlos Syndrome, Classic Type, COL5A1-Related; EDS I. Identifiers: MedGen C0268335, MONDO:0019567, OMIM 130000.

gnomAD v4.1: 1 of 1,609,180 alleles (0.000062%); highest among the groups gnomAD compares: Non-Finnish European, 0.000085%; no homozygotes.

Submission:

Labcorp Genetics (formerly Invitae), Labcorp
Classification: Uncertain significance for Ehlers-Danlos syndrome, classic type, 1. Last evaluated: 2024-05-22. Review status: criteria provided, single submitter. Criteria: Invitae Variant Classification Sherloc (09022015). Collection method: clinical testing. Allele origin: germline.
Comment: This sequence change replaces proline, which is neutral and non-polar, with leucine, which is neutral and non-polar, at codon 170 of the COL5A2 protein (p.Pro170Leu). The frequency data for this variant in the population databases is considered unreliable, as metrics indicate poor data quality at this position in the gnomAD database. This variant has not been reported in the literature in individuals affected with COL5A2-related conditions. Advanced modeling of protein sequence and biophysical properties (such as structural, functional, and spatial information, amino acid conservation, physicochemical variation, residue mobility, and thermodynamic stability) has been performed at Invitae for this missense variant, however the output from this modeling did not meet the statistical confidence thresholds required to predict the impact of this variant on COL5A2 protein function. In summary, the available evidence is currently insufficient to determine the role of this variant in disease. Therefore, it has been classified as a Variant of Uncertain Significance.

NM_000393.5(COL5A2):c.509C>T (p.Pro170Leu)

Gene: COL5A2 (collagen type V alpha 2 chain; minus strand). Cytogenetic location: 2q32.2.
Variant type: single nucleotide variant.
Coding change: c.509C>T on transcript NM_000393.5 (MANE Select); coding-DNA position 509, C replaced by T.
Protein change: p.Pro170Leu; replaces proline 170 with leucine.
Molecular consequence: missense variant.
Genome position (GRCh38, 1-based): chr2:189,092,368, G>A on the plus strand (C>T on the coding strand, the complement: COL5A2 is on the minus strand). VCF-style: chr2-189092368-G-A. GRCh37 (hg19) VCF-style: chr2-189957094-G-A.
Other names: short protein forms P170L.
Identifiers: ClinVar variation 3658724 (VCV003658724.2).